The following is an entry in ClinVar:

NM_004336.5(BUB1):c.2576A>G (p.Gln859Arg)

Gene: BUB1 (BUB1 mitotic checkpoint serine/threonine kinase; minus strand). Cytogenetic location: 2q13.
Variant type: single nucleotide variant.
Coding change: c.2576A>G on transcript NM_004336.5 (MANE Select); coding-DNA position 2576, A replaced by G.
Protein change: p.Gln859Arg; replaces glutamine 859 with arginine.
Molecular consequence: missense variant.
Genome position (GRCh38, 1-based): chr2:110,641,691, T>C on the plus strand (A>G on the coding strand, the complement: BUB1 is on the minus strand). VCF-style: chr2-110641691-T-C. GRCh37 (hg19) VCF-style: chr2-111399268-T-C.
Other names: c.2516A>G, p.Gln839Arg (NM_001278616.2); c.2576A>G, p.Gln859Arg (NM_001278617.2); short protein forms Q839R, Q859R.
Identifiers: ClinVar variation 2451235 (VCV002451235.2), dbSNP rs2467972032, ClinGen allele CA348090244.
Genomic context (GRCh38, chr2:110,641,691, plus strand): 5'-TGAATACTTACTAATAATGTTCCATAGCTGTAGAGCTCTCCTACTAATACACTGCCATTC[T>C]GGAATAAGTGGGCAGAATAGAACTTCATAAACATGTGCTGCATAGATGGCTTTAGTCTTT-3'
Protein context (NP_004327.1, residues 849-869): FMKFYSAHLF[Gln859Arg]NGSVLVGELY

ClinVar aggregate classification (germline): Uncertain significance (1 of 4 stars; one submission).

Submission:

Ambry Genetics
Classification: Uncertain significance. Last evaluated: 2022-12-03. Review status: criteria provided, single submitter. Criteria: Ambry Variant Classification Scheme 2023. Collection method: clinical testing. Allele origin: germline.
Comment: The p.Q859R variant (also known as c.2576A>G), located in coding exon 21 of the BUB1 gene, results from an A to G substitution at nucleotide position 2576. The glutamine at codon 859 is replaced by arginine, an amino acid with highly similar properties. This amino acid position is conserved. In addition, this alteration is predicted to be tolerated by in silico analysis. Since supporting evidence is limited at this time, the clinical significance of this alteration remains unclear.